The following is an entry in ClinVar:

NM_000186.4(CFH):c.752G>A (p.Cys251Tyr)

Gene: CFH (complement factor H; plus strand). Cytogenetic location: 1q31.3.
Variant type: single nucleotide variant.
Coding change: c.752G>A on transcript NM_000186.4 (MANE Select); coding-DNA position 752, G replaced by A.
Protein change: p.Cys251Tyr; replaces cysteine 251 with tyrosine.
Molecular consequence: missense variant.
Genome position (GRCh38, 1-based): chr1:196,679,755, G>A. VCF-style: chr1-196679755-G-A. GRCh37 (hg19) VCF-style: chr1-196648885-G-A.
Other names: c.752G>A, p.Cys251Tyr (NM_001014975.3); short protein forms C251Y.
Identifiers: ClinVar variation 2628059 (VCV002628059.4), dbSNP rs2529353261, ClinGen allele CA343978089.

ClinVar aggregate classification (germline): Uncertain significance. Review status: criteria provided, multiple submitters, no conflicts (2 of 4 stars). 2 submissions from 2 submitters: Uncertain significance (2). Last evaluated 2024-04-07.

Conditions:
Age related macular degeneration 4. Identifiers: MedGen C1853147, MONDO:0012540, OMIM 610698.

Submissions (2):

Labcorp Genetics (formerly Invitae), Labcorp
Classification: Uncertain significance. Last evaluated: 2024-04-07. Review status: criteria provided, single submitter. Criteria: Invitae Variant Classification Sherloc (09022015). Collection method: clinical testing. Allele origin: germline.
Comment: This sequence change replaces cysteine, which is neutral and slightly polar, with tyrosine, which is neutral and polar, at codon 251 of the CFH protein (p.Cys251Tyr). This variant is not present in population databases (gnomAD no frequency). This variant has not been reported in the literature in individuals affected with CFH-related conditions. ClinVar contains an entry for this variant (Variation ID: 2628059). An algorithm developed to predict the effect of missense changes on protein structure and function (PolyPhen-2) suggests that this variant is likely to be disruptive. In summary, the available evidence is currently insufficient to determine the role of this variant in disease. Therefore, it has been classified as a Variant of Uncertain Significance.

DBGen Ocular Genomics
Classification: Uncertain significance for Age related macular degeneration 4. Last evaluated: 2023-01-01. Review status: criteria provided, single submitter. Criteria: ACMG Guidelines, 2015. Collection method: clinical testing. Allele origin: unknown. Inheritance: Oligogenic inheritance. Affected: yes.
Comment: Class 3 ACMG Guidelines, 2015